The following is an entry in ClinVar:

ClinVar aggregate classification (germline): Pathogenic. Review status: criteria provided, multiple submitters, no conflicts (2 of 4 stars). 10 submissions from 10 submitters: Pathogenic (10). Last evaluated 2026-08-11.

Conditions:
Hereditary cancer-predisposing syndrome. Also called: Neoplastic Syndromes, Hereditary; Tumor predisposition; Hereditary Cancer Syndrome; Hereditary neoplastic syndrome. Identifiers: Orphanet 140162, MedGen C0027672, MeSH D009386, MONDO:0015356.
Breast neoplasm. Also called: Breast tumor; Neoplasm of breast; Neoplasm of the breast; Breast Neoplasms. Identifiers: MedGen C1458155, MeSH D001943, MONDO:0021100, HP:0100013. Disease mechanism: gain of function.
Breast-ovarian cancer, familial, susceptibility to, 5 (BROVCA5). Identifiers: MedGen C5830615, MONDO:0957530, OMIM 620442.
Familial cancer of breast. Also called: BREAST CANCER, FAMILIAL; hereditary breast carcinoma; Hereditary breast cancer. Identifiers: Orphanet 227535, MedGen C0346153, MONDO:0016419, OMIM 114480. Disease mechanism: loss of function.

gnomAD v4.1: 1 of 1,614,158 alleles (0.000062%); highest among the groups gnomAD compares: East Asian, 0.0022%; no homozygotes.

Submissions (10):

GeneDx
Classification: Pathogenic. Last evaluated: 2026-08-11. Review status: criteria provided, single submitter. Criteria: GeneDx Variant Classification Process June 2021. Collection method: clinical testing. Allele origin: germline.
Comment: Observed in individuals with a personal or family history consistent with pathogenic variants in this gene (PMID: 32029870, 29566657, 29752822, 30982232, 33193564, 32068069, 32339256, 34439348); Nonsense variant predicted to result in protein truncation or nonsense mediated decay in a gene for which loss of function is a known mechanism of disease; Not observed at significant frequency in large population cohorts (gnomAD); Truncating variants in this gene are considered pathogenic by a well-established clinical consortium and/or database; This variant is associated with the following publications: (PMID: 29752822, 30982232, 32068069, 32339256, 33193564, 34439348, 38355628, 40118241, 29922827, 29566657, 36095024, 36622392, 17200672, 33649982, 17200668, 25099575, 24136930, 17200671, 33811135, 32029870, 24485656, 19609323, 20871615)

Labcorp Genetics (formerly Invitae), Labcorp
Classification: Pathogenic for Familial cancer of breast. Last evaluated: 2026-01-27. Review status: criteria provided, single submitter. Criteria: Invitae Variant Classification Sherloc (09022015). Collection method: clinical testing. Allele origin: germline.
Comment: This sequence change creates a premature translational stop signal (p.Glu990*) in the PALB2 gene. It is expected to result in an absent or disrupted protein product. Loss-of-function variants in PALB2 are known to be pathogenic (PMID: 17200668, 17200671, 17200672, 24136930, 25099575). This variant is present in population databases (no rsID available, gnomAD 0.01%). This variant has not been reported in the literature in individuals affected with PALB2-related conditions. ClinVar contains an entry for this variant (Variation ID: 231227). For these reasons, this variant has been classified as Pathogenic.

Ambry Genetics
Classification: Pathogenic for Hereditary cancer-predisposing syndrome. Last evaluated: 2024-09-25. Review status: criteria provided, single submitter. Criteria: Ambry Variant Classification Scheme 2023. Collection method: clinical testing. Allele origin: germline.
Comment: The p.E990* pathogenic mutation (also known as c.2968G>T), located in coding exon 9 of the PALB2 gene, results from a G to T substitution at nucleotide position 2968. This changes the amino acid from a glutamic acid to a stop codon within coding exon 9. This alteration has been identified in multiple Chinese breast and/or ovarian cancer patients (Kwong A et al. J Mol Diagn, 2020 04;22:544-554; Zhou J et al. Cancer, 2020 07;126:3202-3208; Hu ZY et al. Front Genet, 2020 Aug;11:829; Li JY et al. Int J Cancer, 2019 01;144:281-289; Wang J et al. Cancer Med, 2019 05;8:2074-2084). In addition to the clinical data presented in the literature, this alteration is expected to result in loss of function by premature protein truncation or nonsense-mediated mRNA decay. As such, this alteration is interpreted as a disease-causing mutation.

Myriad Genetics, Inc.
Classification: Pathogenic for Familial cancer of breast. Last evaluated: 2023-09-14. Review status: criteria provided, single submitter. Criteria: Myriad Autosomal Dominant, Autosomal Recessive and X-Linked Classification Criteria (2023). Collection method: clinical testing. Allele origin: unknown.
Comment: This variant is considered pathogenic. This variant creates a termination codon and is predicted to result in premature protein truncation.

Department of Pathology and Laboratory Medicine, Sinai Health System
Classification: Pathogenic for Breast-ovarian cancer, familial, susceptibility to, 5. Last evaluated: 2022-01-19. Review status: criteria provided, single submitter. Criteria: ACMG Guidelines, 2015. Collection method: clinical testing. Allele origin: germline. Affected: yes.

Genetics and Molecular Pathology, SA Pathology
Classification: Pathogenic for Familial cancer of breast. Last evaluated: 2021-02-05. Review status: criteria provided, single submitter. Criteria: ACMG Guidelines, 2015. Collection method: clinical testing. Allele origin: germline. Affected: yes.

Color Diagnostics, LLC DBA Color Health
Classification: Pathogenic for Hereditary cancer-predisposing syndrome. Last evaluated: 2020-09-28. Review status: criteria provided, single submitter. Criteria: ACMG Guidelines, 2015. Collection method: clinical testing. Allele origin: germline.
Comment: This variant changes 1 nucleotide in exon 9 of the PALB2 gene, creating a premature translation stop signal. This variant is expected to result in an absent or non-functional protein product. This variant has been reported in individuals affected with familial breast cancer (PMID: 32068069; Hu et al. 2020, DOI 10.3389/fgene.2020.00829). This variant has been identified in 2/251468 chromosomes in the general population by the Genome Aggregation Database (gnomAD). Loss of PALB2 function is a known mechanism of disease. Based on the available evidence, this variant is classified as Pathogenic.

Quest Diagnostics Nichols Institute San Juan Capistrano
Classification: Pathogenic. Last evaluated: 2020-01-06. Review status: criteria provided, single submitter. Criteria: Quest Diagnostics criteria. Collection method: clinical testing. Allele origin: unknown.
Comment: The variant creates a premature nonsense codon, and is therefore predicted to result in the loss of a functional protein. Found in at least one patient with expected phenotype for this gene, and found in general population data at a frequency that is consistent with pathogenicity.

Juno Genomics, Hangzhou Juno Genomics, Inc
Classification: Pathogenic for Breast-ovarian cancer, familial, susceptibility to, 5. Review status: criteria provided, single submitter. Criteria: ACMG Guidelines, 2015. Collection method: clinical testing. Allele origin: germline.
Comment: Null variant in a gene where loss of function (LOF) is a known mechanism of disease.;The prevalence of the variant in affected individuals is significantly increased compared to the prevalence in controls.

Yang An-Suei Laboratory, Academia Sinica
Classification: Pathogenic for breast cancer. Review status: criteria provided, single submitter. Criteria: Submitter's publication. Collection method: clinical testing. Allele origin: germline. Affected: yes.

Literature cited by the submitters: PubMed 17200668 (cited by Labcorp Genetics (formerly Invitae), Labcorp); PubMed 17200671 (cited by Labcorp Genetics (formerly Invitae), Labcorp); PubMed 17200672 (cited by Labcorp Genetics (formerly Invitae), Labcorp); PubMed 24136930 (cited by Labcorp Genetics (formerly Invitae), Labcorp); PubMed 25099575 (cited by Labcorp Genetics (formerly Invitae), Labcorp); PubMed 29752822 (cited by Ambry Genetics and Quest Diagnostics Nichols Institute San Juan Capistrano); PubMed 29922827 (cited by Ambry Genetics); PubMed 30982232 (cited by Ambry Genetics); PubMed 32068069 (cited by Ambry Genetics); PubMed 32339256 (cited by Ambry Genetics); PubMed 33193564 (cited by Ambry Genetics); PubMed 29566657 (cited by Quest Diagnostics Nichols Institute San Juan Capistrano).

NM_024675.4(PALB2):c.2968G>T (p.Glu990Ter)

Gene: PALB2 (partner and localizer of BRCA2; minus strand). Cytogenetic location: 16p12.2.
Variant type: single nucleotide variant.
Coding change: c.2968G>T on transcript NM_024675.4 (MANE Select); coding-DNA position 2968, G replaced by T.
Protein change: p.Glu990Ter; replaces glutamic acid 990 with a stop codon.
Molecular consequence: nonsense.
Genome position (GRCh38, 1-based): chr16:23,622,997, C>A on the plus strand (G>T on the coding strand, the complement: PALB2 is on the minus strand). VCF-style: chr16-23622997-C-A. GRCh37 (hg19) VCF-style: chr16-23634318-C-A.
Other names: short protein forms E990*.
Identifiers: ClinVar variation 231227 (VCV000231227.30), dbSNP rs876659036, ClinGen allele CA10579941.